The following is an entry in ClinVar:

NM_001972.4(ELANE):c.236C>G (p.Ala79Gly)

Gene: ELANE (elastase, neutrophil expressed; plus strand). Cytogenetic location: 19p13.3.
Variant type: single nucleotide variant.
Coding change: c.236C>G on transcript NM_001972.4 (MANE Select); coding-DNA position 236, C replaced by G.
Protein change: p.Ala79Gly; replaces alanine 79 with glycine.
Molecular consequence: missense variant.
Genome position (GRCh38, 1-based): chr19:853,273, C>G. VCF-style: chr19-853273-C-G. GRCh37 (hg19) VCF-style: chr19-853273-C-G.
Other names: short protein forms A79G.
Identifiers: ClinVar variation 5002580 (VCV005002580.1).

ClinVar aggregate classification (germline): Uncertain significance (1 of 4 stars; one submission).

Conditions:
ELANE-related disorder. Also called: ELANE-related condition.

Submission:

PreventionGenetics, part of Exact Sciences
Classification: Uncertain significance for ELANE-related condition. Last evaluated: 2025-06-25. Review status: criteria provided, single submitter. Criteria: ACMG Guidelines, 2015. Collection method: clinical testing. Allele origin: germline.
Comment: The ELANE c.236C>G variant is predicted to result in the amino acid substitution p.Ala79Gly. To our knowledge, this variant has not been reported in the literature or in a large population database (gnomAD), indicating this variant is rare. At this time, the clinical significance of this variant is uncertain due to the absence of conclusive functional and genetic evidence.